The following is an entry in ClinVar:

ClinVar aggregate classification (germline): Pathogenic. Review status: criteria provided, single submitter (1 of 4 stars). 3 submissions from 3 submitters: Pathogenic (1). 2 of the submissions do not count toward it. Last evaluated 2024-05-22.

Conditions:
Cranioectodermal dysplasia 3 (CED3). Identifiers: Orphanet 1515, MedGen C3279807, MONDO:0013573, OMIM 614099.

Submissions (3):

Labcorp Genetics (formerly Invitae), Labcorp
Classification: Pathogenic. Last evaluated: 2024-05-22. Review status: criteria provided, single submitter. Criteria: Invitae Variant Classification Sherloc (09022015). Collection method: clinical testing. Allele origin: germline.
Comment: This sequence change affects the initiator methionine of the IFT43 mRNA. The next in-frame methionine is located at codon 22. This variant is not present in population databases (gnomAD no frequency). Disruption of the initiator codon has been observed in individuals with Sensenbrenner syndrome and short rib polydactyly syndrome (PMID: 21378380, 28400947, 29896747). It has also been observed to segregate with disease in related individuals. ClinVar contains an entry for this variant (Variation ID: 31098). Algorithms developed to predict the effect of variants on gene product structure and function are not available or were not evaluated for this variant. Experimental studies have shown that disruption of the initiator codon affects IFT43 function (PMID: 21378380). For these reasons, this variant has been classified as Pathogenic.

OMIM
Classification: Pathogenic for CRANIOECTODERMAL DYSPLASIA 3 (1 family). Last evaluated: 2011-06-01. Review status: no assertion criteria provided. Collection method: literature only. Allele origin: germline. Not counted in ClinVar's aggregate classification.

GeneReviews
No classification provided. Condition: Cranioectodermal dysplasia 3. Review status: no classification provided. Collection method: literature only. Allele origin: unknown. Not counted in ClinVar's aggregate classification.

Literature cited by the submitters: PubMed 21378380 (cited by 3 submitters); PubMed 28400947 (cited by Labcorp Genetics (formerly Invitae), Labcorp); PubMed 29896747 (cited by Labcorp Genetics (formerly Invitae), Labcorp); PubMed 24027799 (cited by GeneReviews); NCBI Bookshelf NBK154653 (cited by GeneReviews).

NM_001102564.3(IFT43):c.1A>G (p.Met1Val)

Gene: IFT43 (intraflagellar transport 43; plus strand). Cytogenetic location: 14q24.3.
Variant type: single nucleotide variant.
Coding change: c.1A>G on transcript NM_001102564.3 (MANE Select); coding-DNA position 1, A replaced by G.
Protein change: p.Met1Val; changes the start codon (methionine 1).
Molecular consequence: missense variant, initiator codon variant. On other transcripts: non-coding transcript variant (2).
Genome position (GRCh38, 1-based): chr14:75,985,787, A>G. VCF-style: chr14-75985787-A-G. GRCh37 (hg19) VCF-style: chr14-76452130-A-G.
Other names: c.1A>G, p.Met1Val (NM_001255995.3, NM_052873.3); short protein forms M1V.
Identifiers: ClinVar variation 31098 (VCV000031098.12), dbSNP rs387907107, ClinGen allele CA342774.